The following is an entry in ClinVar:

NM_001287491.2(TET3):c.3272dup (p.Cys1091fs)

Gene: TET3 (tet methylcytosine dioxygenase 3; plus strand). Cytogenetic location: 2p13.1.
Variant type: Duplication.
Coding change: c.3272dup on transcript NM_001287491.2 (MANE Select); coding-DNA position 3272, one base duplicated (G; older notation c.3272dupG).
Protein change: p.Cys1091fs; shifts the reading frame from cysteine 1091.
Molecular consequence: frameshift variant.
Genome position (GRCh38, 1-based): chr2:74,099,280, G duplicated. VCF-style (leftmost placement, unchanged base first): chr2-74099279-T-TG. GRCh37 (hg19) VCF-style: chr2-74326406-T-TG.
Other names: c.2993dup, p.Cys998fs (NM_001366022.1); c.2867dup, p.Cys956Trpfs (NM_144993.1); short protein forms C1091fs, C998fs.
Identifiers: ClinVar variation 1709508 (VCV001709508.2), dbSNP rs2467684945, ClinGen allele CA2580068218.

ClinVar aggregate classification (germline): Likely pathogenic (1 of 4 stars; one submission).

Conditions:
Beck-Fahrner syndrome (BEFAHRS). Identifiers: Orphanet 684216, MedGen C5394097, MONDO:0032922, OMIM 618798.

Submission:

MGZ Medical Genetics Center
Classification: Likely pathogenic for Beck-Fahrner syndrome. Last evaluated: 2022-05-31. Review status: criteria provided, single submitter. Criteria: ACMG Guidelines, 2015. Collection method: clinical testing. Allele origin: germline. Affected: yes. Observed: 1 variant allele.
Comment: ACMG criteria applied: PS2, PVS1_MOD, PM2_SUP